The following is an entry in ClinVar:

NM_002291.3(LAMB1):c.3553C>T (p.Leu1185Phe)

Gene: LAMB1 (laminin subunit beta 1; minus strand). Cytogenetic location: 7q31.1.
Variant type: single nucleotide variant.
Coding change: c.3553C>T on transcript NM_002291.3 (MANE Select); coding-DNA position 3553, C replaced by T.
Protein change: p.Leu1185Phe; replaces leucine 1185 with phenylalanine.
Molecular consequence: missense variant.
Genome position (GRCh38, 1-based): chr7:107,940,197, G>A on the plus strand (C>T on the coding strand, the complement: LAMB1 is on the minus strand). VCF-style: chr7-107940197-G-A. GRCh37 (hg19) VCF-style: chr7-107580642-G-A.
Other names: short protein forms L1185F.
Identifiers: ClinVar variation 1308435 (VCV001308435.2), dbSNP rs2116353555, ClinGen allele CA368858698.

ClinVar aggregate classification (germline): Uncertain significance (1 of 4 stars; one submission).

Submission:

GeneDx
Classification: Uncertain significance. Last evaluated: 2019-04-10. Review status: criteria provided, single submitter. Criteria: GeneDx Variant Classification Process June 2021. Collection method: clinical testing. Allele origin: germline. Affected: yes.
Comment: Not observed in large population cohorts (Lek et al., 2016); In silico analysis, which includes protein predictors and evolutionary conservation, supports that this variant does not alter protein structure/function; Has not been previously published as pathogenic or benign to our knowledge